The following is an entry in ClinVar:

ClinVar aggregate classification (germline): Uncertain significance (1 of 4 stars; one submission).

Conditions:
Duchenne muscular dystrophy (DMD). Also called: Duchenne Muscular Dystrophy (DMD); MUSCULAR DYSTROPHY, PSEUDOHYPERTROPHIC PROGRESSIVE, DUCHENNE TYPE. Identifiers: Orphanet 98896, MedGen C0013264, MONDO:0010679, OMIM 310200.

Submission:

Labcorp Genetics (formerly Invitae), Labcorp
Classification: Uncertain significance for Duchenne muscular dystrophy. Last evaluated: 2022-07-05. Review status: criteria provided, single submitter. Criteria: Invitae Variant Classification Sherloc (09022015). Collection method: clinical testing. Allele origin: germline.
Comment: Variants that disrupt the consensus splice site are a relatively common cause of aberrant splicing (PMID: 17576681, 9536098). Algorithms developed to predict the effect of sequence changes on RNA splicing suggest that this variant may disrupt the consensus splice site. In summary, the available evidence is currently insufficient to determine the role of this variant in disease. Therefore, it has been classified as a Variant of Uncertain Significance. ClinVar contains an entry for this variant (Variation ID: 941425). This variant has been observed in individual(s) with clinical features of DMD-related conditions (Invitae). This variant is not present in population databases (gnomAD no frequency). This sequence change falls in intron 27 of the DMD gene. It does not directly change the encoded amino acid sequence of the DMD protein. It affects a nucleotide within the consensus splice site.

Literature cited by the submitters: PubMed 17576681; PubMed 9536098.

NM_004006.3(DMD):c.3786+2_3786+3dup

Gene: DMD (dystrophin; minus strand). Cytogenetic location: Xp21.1.
Variant type: Duplication.
Coding change: c.3786+2_3786+3dup on transcript NM_004006.3 (MANE Select); the canonical splice donor site of the intron after coding-DNA position 3786 through 3 bases into the intron after coding-DNA position 3786, 2 bases duplicated (TC; older notation c.3786+2_3786+3dupTC).
Molecular consequence: splice donor variant.
Genome position (GRCh38, 1-based): chrX:32,448,453-32,448,454, GA duplicated on the plus strand (TC on the coding strand, the reverse complement: DMD is on the minus strand). VCF-style (leftmost placement, unchanged base first): chrX-32448452-T-TGA. GRCh37 (hg19) VCF-style: chrX-32466569-T-TGA.
Other names: c.3762+2_3762+3dup (NM_000109.4); c.3774+2_3774+3dup (NM_004009.3); c.3417+2_3417+3dup (NM_004010.3).
Identifiers: ClinVar variation 941425 (VCV000941425.10), dbSNP rs2098314571, ClinGen allele CA1139667368.